The following is an entry in ClinVar:

NM_006904.7(PRKDC):c.2437T>C (p.Trp813Arg)

Gene: PRKDC (protein kinase, DNA-activated, catalytic subunit; minus strand). Cytogenetic location: 8q11.21.
Variant type: single nucleotide variant.
Coding change: c.2437T>C on transcript NM_006904.7 (MANE Select); coding-DNA position 2437, T replaced by C.
Protein change: p.Trp813Arg; replaces tryptophan 813 with arginine.
Molecular consequence: missense variant.
Genome position (GRCh38, 1-based): chr8:47,918,366, A>G on the plus strand (T>C on the coding strand, the complement: PRKDC is on the minus strand). VCF-style: chr8-47918366-A-G. GRCh37 (hg19) VCF-style: chr8-48830926-A-G.
Other names: c.2437T>C, p.Trp813Arg (NM_001081640.2); short protein forms W813R.
Identifiers: ClinVar variation 1791249 (VCV001791249.2), dbSNP rs2551877366, ClinGen allele CA371160608.

ClinVar aggregate classification (germline): Uncertain significance (1 of 4 stars; one submission).

Allele frequency attached by ClinVar (database versions not stated): gnomAD exomes below 0.00001.
gnomAD v4.1: 5 of 1,583,730 alleles (0.00032%); highest among the groups gnomAD compares: Non-Finnish European, 0.00034%; no homozygotes.

Submission:

Ambry Genetics
Classification: Uncertain significance. Last evaluated: 2022-02-12. Review status: criteria provided, single submitter. Criteria: Ambry Variant Classification Scheme 2023. Collection method: clinical testing. Allele origin: germline.
Comment: The p.W813R variant (also known as c.2437T>C), located in coding exon 22 of the PRKDC gene, results from a T to C substitution at nucleotide position 2437. The tryptophan at codon 813 is replaced by arginine, an amino acid with dissimilar properties. This amino acid position is conserved. In addition, this alteration is predicted to be tolerated by in silico analysis. Since supporting evidence is limited at this time, the clinical significance of this alteration remains unclear.